The following is an entry in ClinVar:

ClinVar aggregate classification (germline): Uncertain significance (1 of 4 stars; one submission).

Conditions:
D-2-hydroxyglutaric aciduria 1 (D2HGA1). Identifiers: Orphanet 79315, MedGen C3152055, MONDO:0024554, OMIM 600721.

Allele frequency attached by ClinVar (database versions not stated): gnomAD 0.00001; ExAC 0.00003.
gnomAD v4.1: 31 of 1,600,680 alleles (0.0019%); highest among the groups gnomAD compares: East Asian, 0.016%; 1 homozygote.

Submission:

Labcorp Genetics (formerly Invitae), Labcorp
Classification: Uncertain significance for D-2-hydroxyglutaric aciduria 1. Last evaluated: 2023-09-07. Review status: criteria provided, single submitter. Criteria: Invitae Variant Classification Sherloc (09022015). Collection method: clinical testing. Allele origin: germline.
Comment: In summary, the available evidence is currently insufficient to determine the role of this variant in disease. Therefore, it has been classified as a Variant of Uncertain Significance. Advanced modeling of protein sequence and biophysical properties (such as structural, functional, and spatial information, amino acid conservation, physicochemical variation, residue mobility, and thermodynamic stability) performed at Invitae indicates that this missense variant is expected to disrupt D2HGDH protein function. This variant has not been reported in the literature in individuals affected with D2HGDH-related conditions. This variant is present in population databases (rs757574221, gnomAD 0.01%), including at least one homozygous and/or hemizygous individual. This sequence change replaces proline, which is neutral and non-polar, with leucine, which is neutral and non-polar, at codon 330 of the D2HGDH protein (p.Pro330Leu).

NM_152783.5(D2HGDH):c.989C>T (p.Pro330Leu)

Gene: D2HGDH (D-2-hydroxyglutarate dehydrogenase; plus strand). Cytogenetic location: 2q37.3.
Variant type: single nucleotide variant.
Coding change: c.989C>T on transcript NM_152783.5 (MANE Select); coding-DNA position 989, C replaced by T.
Protein change: p.Pro330Leu; replaces proline 330 with leucine.
Molecular consequence: missense variant.
Genome position (GRCh38, 1-based): chr2:241,750,286, C>T. VCF-style: chr2-241750286-C-T. GRCh37 (hg19) VCF-style: chr2-242689701-C-T.
Other names: c.587C>T, p.Pro196Leu (NM_001287249.2); c.428C>T, p.Pro143Leu (NM_001352824.2); short protein forms P196L, P143L, P330L.
Identifiers: ClinVar variation 2730125 (VCV002730125.1), dbSNP rs757574221, ClinGen allele CA2221850.